The following is an entry in ClinVar:

ClinVar aggregate classification (germline): Uncertain significance (1 of 4 stars; one submission).

Conditions:
Inborn genetic diseases. Identifiers: MedGen C0950123, MeSH D030342.

gnomAD v4.1: 1 of 1,614,118 alleles (0.000062%); highest among the groups gnomAD compares: Non-Finnish European, 0.000085%; no homozygotes.

Submission:

Ambry Genetics
Classification: Uncertain significance for Inborn genetic diseases. Last evaluated: 2024-09-18. Review status: criteria provided, single submitter. Criteria: Ambry Variant Classification Scheme 2023. Collection method: clinical testing. Allele origin: germline.
Comment: The p.D487E variant (also known as c.1461C>G), located in coding exon 11 of the EPAS1 gene, results from a C to G substitution at nucleotide position 1461. The aspartic acid at codon 487 is replaced by glutamic acid, an amino acid with highly similar properties. This amino acid position is conserved. In addition, this alteration is predicted to be tolerated by in silico analysis. Based on the available evidence, the clinical significance of this variant remains unclear.

NM_001430.5(EPAS1):c.1461C>G (p.Asp487Glu)

Gene: EPAS1 (endothelial PAS domain protein 1; plus strand). Cytogenetic location: 2p21.
Variant type: single nucleotide variant.
Coding change: c.1461C>G on transcript NM_001430.5 (MANE Select); coding-DNA position 1461, C replaced by G.
Protein change: p.Asp487Glu; replaces aspartic acid 487 with glutamic acid.
Molecular consequence: missense variant.
Genome position (GRCh38, 1-based): chr2:46,378,674, C>G. VCF-style: chr2-46378674-C-G. GRCh37 (hg19) VCF-style: chr2-46605813-C-G.
Other names: short protein forms D487E.
Identifiers: ClinVar variation 3508987 (VCV003508987.1).